The following is an entry in ClinVar:

NM_015650.4(TRAF3IP1):c.1286G>A (p.Gly429Glu)

Gene: TRAF3IP1 (TRAF3 interacting protein 1; plus strand). Cytogenetic location: 2q37.3.
Variant type: single nucleotide variant.
Coding change: c.1286G>A on transcript NM_015650.4 (MANE Select); coding-DNA position 1286, G replaced by A.
Protein change: p.Gly429Glu; replaces glycine 429 with glutamic acid.
Molecular consequence: missense variant.
Genome position (GRCh38, 1-based): chr2:238,348,767, G>A. VCF-style: chr2-238348767-G-A. GRCh37 (hg19) VCF-style: chr2-239257408-G-A.
Other names: c.1088G>A, p.Gly363Glu (NM_001139490.1); short protein forms G429E, G363E.
Identifiers: ClinVar variation 1957330 (VCV001957330.3), dbSNP rs1348285148, ClinGen allele CA351232025.
Genomic context (GRCh38, chr2:238,348,767, plus strand): 5'-ATAGTTATCTATGTGTGTTTTCCTTTGTGAATTGCTAATTGATTGTCATTTGTTTAGAAG[G>A]AGATGCTGGACCTGCTGGCCAAGATAAGTCTGAGGTGCCAGAGACTCCAGAAATTCCTAA-3'
Protein context (NP_056465.2, residues 419-439): QKGDSTSDAE[Gly429Glu]DAGPAGQDKS

ClinVar aggregate classification (germline): Uncertain significance (1 of 4 stars; one submission).

Allele frequency attached by ClinVar (database versions not stated): TOPMed below 0.00001.
gnomAD v4.1: 2 of 1,613,956 alleles (0.00012%); highest among the groups gnomAD compares: Admixed American, 0.0033%; no homozygotes.

Submission:

Labcorp Genetics (formerly Invitae), Labcorp
Classification: Uncertain significance. Last evaluated: 2023-04-14. Review status: criteria provided, single submitter. Criteria: Invitae Variant Classification Sherloc (09022015). Collection method: clinical testing. Allele origin: germline.
Comment: In summary, the available evidence is currently insufficient to determine the role of this variant in disease. Therefore, it has been classified as a Variant of Uncertain Significance. Advanced modeling of protein sequence and biophysical properties (such as structural, functional, and spatial information, amino acid conservation, physicochemical variation, residue mobility, and thermodynamic stability) performed at Invitae indicates that this missense variant is not expected to disrupt TRAF3IP1 protein function. ClinVar contains an entry for this variant (Variation ID: 1957330). This variant has not been reported in the literature in individuals affected with TRAF3IP1-related conditions. This variant is present in population databases (no rsID available, gnomAD 0.006%). This sequence change replaces glycine, which is neutral and non-polar, with glutamic acid, which is acidic and polar, at codon 429 of the TRAF3IP1 protein (p.Gly429Glu).